The following is an entry in ClinVar:

ClinVar aggregate classification (germline): Uncertain significance. Review status: criteria provided, multiple submitters, no conflicts (2 of 4 stars). 2 submissions from 2 submitters: Uncertain significance (2). Last evaluated 2024-04-20.

Conditions:
Cranioectodermal dysplasia 2 (CED2). Identifiers: Orphanet 1515, MedGen C3150874, MONDO:0013323, OMIM 613610.
Short-rib thoracic dysplasia 7 with or without polydactyly (SRTD7). Also called: Short rib polydactyly syndrome 5; SHORT-RIB THORACIC DYSPLASIA 7 WITH POLYDACTYLY. Identifiers: Orphanet 498497, Orphanet 93271, MedGen C3279792, MONDO:0013569, OMIM 614091.

Allele frequency attached by ClinVar (database versions not stated): gnomAD exomes below 0.00001; gnomAD 0.00001.
gnomAD v4.1: 20 of 1,613,388 alleles (0.0012%); highest among the groups gnomAD compares: Non-Finnish European, 0.0015%; no homozygotes.

Submissions (2):

Fulgent Genetics
Classification: Uncertain significance for Cranioectodermal dysplasia 2; Short-rib thoracic dysplasia 7 with or without polydactyly. Last evaluated: 2024-04-20. Review status: criteria provided, single submitter. Criteria: ACMG Guidelines, 2015. Collection method: clinical testing. Allele origin: germline.

Labcorp Genetics (formerly Invitae), Labcorp
Classification: Uncertain significance for Cranioectodermal dysplasia 2; Short-rib thoracic dysplasia 7 with or without polydactyly. Last evaluated: 2022-07-12. Review status: criteria provided, single submitter. Criteria: Invitae Variant Classification Sherloc (09022015). Collection method: clinical testing. Allele origin: germline.
Comment: This sequence change replaces glycine, which is neutral and non-polar, with valine, which is neutral and non-polar, at codon 103 of the WDR35 protein (p.Gly103Val). This variant is present in population databases (no rsID available, gnomAD 0.0009%). This missense change has been observed in individual(s) with clinical features of WDR35-related conditions (PMID: 33369054). ClinVar contains an entry for this variant (Variation ID: 839632). Algorithms developed to predict the effect of missense changes on protein structure and function are either unavailable or do not agree on the potential impact of this missense change (SIFT: "Deleterious"; PolyPhen-2: "Probably Damaging"; Align-GVGD: "Class C0"). Algorithms developed to predict the effect of sequence changes on RNA splicing suggest that this variant may disrupt the consensus splice site. In summary, the available evidence is currently insufficient to determine the role of this variant in disease. Therefore, it has been classified as a Variant of Uncertain Significance.

Literature cited by the submitters: PubMed 33369054 (cited by Labcorp Genetics (formerly Invitae), Labcorp).

NM_020779.4(WDR35):c.308G>T (p.Gly103Val)

Gene: WDR35 (WD repeat domain 35; minus strand). Cytogenetic location: 2p24.1.
Variant type: single nucleotide variant.
Coding change: c.308G>T on transcript NM_020779.4 (MANE Select); coding-DNA position 308, G replaced by T.
Protein change: p.Gly103Val; replaces glycine 103 with valine.
Molecular consequence: missense variant.
Genome position (GRCh38, 1-based): chr2:19,978,879, C>A on the plus strand (G>T on the coding strand, the complement: WDR35 is on the minus strand). VCF-style: chr2-19978879-C-A. GRCh37 (hg19) VCF-style: chr2-20178640-C-A.
Other names: c.308G>T, p.Gly103Val (NM_001006657.2); short protein forms G103V.
Identifiers: ClinVar variation 839632 (VCV000839632.10), dbSNP rs886055406, ClinGen allele CA345948034.